The following is an entry in ClinVar:

NM_020461.4(TUBGCP6):c.5314C>T (p.Leu1772Phe)

Gene: TUBGCP6 (tubulin gamma complex component 6; minus strand). Cytogenetic location: 22q13.33.
Variant type: single nucleotide variant.
Coding change: c.5314C>T on transcript NM_020461.4 (MANE Select); coding-DNA position 5314, C replaced by T.
Protein change: p.Leu1772Phe; replaces leucine 1772 with phenylalanine.
Molecular consequence: missense variant.
Genome position (GRCh38, 1-based): chr22:50,217,972, G>A on the plus strand (C>T on the coding strand, the complement: TUBGCP6 is on the minus strand). VCF-style: chr22-50217972-G-A. GRCh37 (hg19) VCF-style: chr22-50656401-G-A.
Other names: short protein forms L1772F.
Identifiers: ClinVar variation 1045113 (VCV001045113.4), dbSNP rs756032721, ClinGen allele CA10307080.

ClinVar aggregate classification (germline): Uncertain significance (1 of 4 stars; one submission).

Allele frequency attached by ClinVar (database versions not stated): TOPMed 0.00001; gnomAD exomes 0.00002 and 0.00008; gnomAD 0.00003; ExAC 0.00006.
gnomAD v4.1: 39 of 1,610,798 alleles (0.0024%); highest among the groups gnomAD compares: Non-Finnish European, 0.00093%; no homozygotes.

Submission:

Labcorp Genetics (formerly Invitae), Labcorp
Classification: Uncertain significance. Last evaluated: 2022-10-28. Review status: criteria provided, single submitter. Criteria: Invitae Variant Classification Sherloc (09022015). Collection method: clinical testing. Allele origin: germline.
Comment: This sequence change replaces leucine, which is neutral and non-polar, with phenylalanine, which is neutral and non-polar, at codon 1772 of the TUBGCP6 protein (p.Leu1772Phe). This variant is present in population databases (rs756032721, gnomAD 0.07%). This variant has not been reported in the literature in individuals affected with TUBGCP6-related conditions. ClinVar contains an entry for this variant (Variation ID: 1045113). Algorithms developed to predict the effect of missense changes on protein structure and function are either unavailable or do not agree on the potential impact of this missense change (SIFT: "Tolerated"; PolyPhen-2: "Probably Damaging"; Align-GVGD: "Class C0"). In summary, the available evidence is currently insufficient to determine the role of this variant in disease. Therefore, it has been classified as a Variant of Uncertain Significance.